The following is an entry in ClinVar:

NM_031157.4(HNRNPA1):c.743G>A (p.Gly248Asp)

Gene: HNRNPA1 (heterogeneous nuclear ribonucleoprotein A1; plus strand). Cytogenetic location: 12q13.13.
Variant type: single nucleotide variant.
Coding change: c.743G>A on transcript NM_031157.4 (MANE Select); coding-DNA position 743, G replaced by A.
Protein change: p.Gly248Asp; replaces glycine 248 with aspartic acid.
Molecular consequence: missense variant. On other transcripts: non-coding transcript variant (1).
Genome position (GRCh38, 1-based): chr12:54,282,866, G>A. VCF-style: chr12-54282866-G-A. GRCh37 (hg19) VCF-style: chr12-54676650-G-A.
Other names: c.743G>A, p.Gly248Asp (NM_002136.4); short protein forms G248D.
Identifiers: ClinVar variation 3068676 (VCV003068676.1), dbSNP rs1944198670, ClinGen allele CA385121539.

ClinVar aggregate classification (germline): Uncertain significance (1 of 4 stars; one submission).

Conditions:
Inclusion body myopathy with Paget disease of bone and frontotemporal dementia. Also called: Inclusion body myopathy with early-onset Paget disease and frontotemporal dementia. Identifiers: Orphanet 52430, MedGen C1833662, MONDO:0000507.

Allele frequency attached by ClinVar (database versions not stated): gnomAD exomes below 0.00001.
gnomAD v4.1: 3 of 1,550,480 alleles (0.00019%); highest among the groups gnomAD compares: South Asian, 0.0012%; no homozygotes.

Submission:

Molecular Genetics, Royal Melbourne Hospital
Classification: Uncertain significance for Inclusion body myopathy with Paget disease of bone and frontotemporal dementia. Last evaluated: 2023-04-11. Review status: criteria provided, single submitter. Criteria: ACMG Guidelines, 2015. Collection method: clinical testing. Allele origin: germline. Affected: yes.
Comment: This sequence change in HNRNPA1 is predicted to replace glycine with aspartic acid at codon 248, p.(Gly248Asp). The glycine residue is highly conserved (88/94 vertebrates, UCSC), and is located in the C-terminal glycine-rich prion-like domain (PMID: 23455423). There is a moderate physicochemical difference between glycine and aspartic acid. This variant is absent from the population database gnomAD v2.1 and v3.1. To our knowledge, this variant has not been reported in the relevant scientific literature or databases. Computational evidence predicts a deleterious effect for the missense substitution (REVEL = 0.716). Based on the classification scheme RMH Modified ACMG/AMP Guidelines v1.6.1, this variant is classified as a VARIANT OF UNCERTAIN SIGNIFICANCE. Following criteria are met: PM2_Supporting, PP3.

Literature cited by the submitters: PubMed 23455423.